The following is an entry in ClinVar:

ClinVar aggregate classification (germline): Uncertain significance (1 of 4 stars; one submission).

Allele frequency attached by ClinVar (database versions not stated): TOPMed 0.00001; gnomAD exomes 0.00002; ExAC 0.00004; ESP Exome Variant Server 0.00008.

Submission:

Labcorp Genetics (formerly Invitae), Labcorp
Classification: Uncertain significance. Last evaluated: 2023-11-27. Review status: criteria provided, single submitter. Criteria: Invitae Variant Classification Sherloc (09022015). Collection method: clinical testing. Allele origin: germline.
Comment: This sequence change falls in intron 5 of the GNPTG gene. It does not directly change the encoded amino acid sequence of the GNPTG protein. It affects a nucleotide within the consensus splice site. This variant is present in population databases (rs370815540, gnomAD 0.005%). This variant has not been reported in the literature in individuals affected with GNPTG-related conditions. ClinVar contains an entry for this variant (Variation ID: 2060744). Variants that disrupt the consensus splice site are a relatively common cause of aberrant splicing (PMID: 17576681, 9536098). Algorithms developed to predict the effect of sequence changes on RNA splicing suggest that this variant may disrupt the consensus splice site. In summary, the available evidence is currently insufficient to determine the role of this variant in disease. Therefore, it has been classified as a Variant of Uncertain Significance.

Literature cited by the submitters: PubMed 17576681; PubMed 9536098.

NM_032520.5(GNPTG):c.317+4A>T

Gene: GNPTG (N-acetylglucosamine-1-phosphate transferase subunit gamma; plus strand). Cytogenetic location: 16p13.3.
Variant type: single nucleotide variant.
Coding change: c.317+4A>T on transcript NM_032520.5 (MANE Select); 4 bases into the intron after coding-DNA position 317, A replaced by T.
Molecular consequence: intron variant.
Genome position (GRCh38, 1-based): chr16:1,361,959, A>T. VCF-style: chr16-1361959-A-T. GRCh37 (hg19) VCF-style: chr16-1411960-A-T.
Identifiers: ClinVar variation 2060744 (VCV002060744.2), dbSNP rs370815540, ClinGen allele CA7807599.